The following is an entry in ClinVar:

NM_003001.5(SDHC):c.334C>G (p.Leu112Val)

Gene: SDHC (succinate dehydrogenase complex subunit C; plus strand). Cytogenetic location: 1q23.3.
Variant type: single nucleotide variant.
Coding change: c.334C>G on transcript NM_003001.5 (MANE Select); coding-DNA position 334, C replaced by G.
Protein change: p.Leu112Val; replaces leucine 112 with valine.
Molecular consequence: missense variant. On other transcripts: non-coding transcript variant (1), intron variant (3).
Genome position (GRCh38, 1-based): chr1:161,356,769, C>G. VCF-style: chr1-161356769-C-G. GRCh37 (hg19) VCF-style: chr1-161326559-C-G.
Other names: c.232C>G, p.Leu78Val (NM_001035512.3); c.175C>G, p.Leu59Val (NM_001035513.3); c.454C>G, p.Leu152Val (NM_001407115.1); c.277C>G, p.Leu93Val (NM_001407116.1); c.271C>G, p.Leu91Val (NM_001407117.1); c.226C>G, p.Leu76Val (NM_001407118.1); c.223C>G, p.Leu75Val (NM_001407119.1, NM_001407120.1); c.242-5560C>G (NM_001035511.3); and 2 more; short protein forms L78V, L59V, L112V, L76V, L75V, L91V, L93V, L152V.
Identifiers: ClinVar variation 663279 (VCV000663279.7), dbSNP rs1329297940, ClinGen allele CA343456520.
Genomic context (GRCh38, chr1:161,356,769, plus strand): 5'-CTCCCTGGGAACTTTGAGTCTTATTTGGAACTTGTGAAGTCCCTGTGTCTGGGGCCAGCA[C>G]TGATCCACACAGCTAAGTTTGCACTTGTCTTCCCTCTCATGTATCATACCTGGAATGGGA-3'
Protein context (NP_002992.1, residues 102-122): LVKSLCLGPA[Leu112Val]IHTAKFALVF

ClinVar aggregate classification (germline): Uncertain significance (1 of 4 stars; one submission).

Conditions:
Pheochromocytoma/paraganglioma syndrome 3. Also called: SDHC-Related Hereditary Paraganglioma-Pheochromocytoma Syndrome (Paragangliomas 3); SDHC-Related Hereditary Paraganglioma-Pheochromocytoma Syndrome; GLOMUS TUMORS, FAMILIAL, 3; Paragangliomas 3. Identifiers: Orphanet 29072, MedGen C1854336, MONDO:0011544, OMIM 605373.
Gastrointestinal stromal tumor. Also called: Gastrointestinal stromal tumor, somatic; Gastrointestinal stroma tumor. Identifiers: Orphanet 44890, MedGen C0238198, MeSH D046152, MONDO:0011719, OMIM 606764, HP:0100723.

Allele frequency attached by ClinVar (database versions not stated): gnomAD exomes below 0.00001; gnomAD 0.00001.
gnomAD v4.1: 2 of 1,613,878 alleles (0.00012%); highest among the groups gnomAD compares: Non-Finnish European, 0.000085%; no homozygotes.

Submission:

Labcorp Genetics (formerly Invitae), Labcorp
Classification: Uncertain significance for Pheochromocytoma/paraganglioma syndrome 3; Gastrointestinal stromal tumor. Last evaluated: 2023-03-24. Review status: criteria provided, single submitter. Criteria: Invitae Variant Classification Sherloc (09022015). Collection method: clinical testing. Allele origin: germline.
Comment: This sequence change replaces leucine, which is neutral and non-polar, with valine, which is neutral and non-polar, at codon 112 of the SDHC protein (p.Leu112Val). This variant is present in population databases (no rsID available, gnomAD 0.0009%). In summary, the available evidence is currently insufficient to determine the role of this variant in disease. Therefore, it has been classified as a Variant of Uncertain Significance. RNA analysis performed to evaluate the impact of this missense change on mRNA splicing indicates it does not significantly alter splicing (Invitae). Algorithms developed to predict the effect of missense changes on protein structure and function output the following: SIFT: "Not Available"; PolyPhen-2: "Benign"; Align-GVGD: "Not Available". The valine amino acid residue is found in multiple mammalian species, which suggests that this missense change does not adversely affect protein function. ClinVar contains an entry for this variant (Variation ID: 663279). This variant has not been reported in the literature in individuals affected with SDHC-related conditions.